The following is an entry in ClinVar:

NM_001166114.2(PNPLA6):c.376A>C (p.Met126Leu)

Gene: PNPLA6 (patatin like domain 6, lysophospholipase; plus strand). Cytogenetic location: 19p13.2.
Variant type: single nucleotide variant.
Coding change: c.376A>C on transcript NM_001166114.2 (MANE Select); coding-DNA position 376, A replaced by C.
Protein change: p.Met126Leu; replaces methionine 126 with leucine.
Molecular consequence: missense variant.
Genome position (GRCh38, 1-based): chr19:7,536,509, A>C. VCF-style: chr19-7536509-A-C. GRCh37 (hg19) VCF-style: chr19-7601395-A-C.
Other names: c.403A>C, p.Met135Leu (NM_001166111.2); c.259A>C, p.Met87Leu (NM_001166112.2, NM_001166113.1, NM_006702.5); short protein forms M87L, M126L, M135L.
Identifiers: ClinVar variation 2008042 (VCV002008042.4), dbSNP rs770644846, ClinGen allele CA9139441.

ClinVar aggregate classification (germline): Uncertain significance (1 of 4 stars; one submission).

Conditions:
Hereditary spastic paraplegia 39 (SPG39). Also called: SPASTIC PARAPLEGIA 39, AUTOSOMAL RECESSIVE; Spastic Paraplegia Type 39 (SPG39). Identifiers: Orphanet 139480, MedGen C2677586, MONDO:0012787, OMIM 612020.

Allele frequency attached by ClinVar (database versions not stated): gnomAD exomes below 0.00001; gnomAD 0.00001; ExAC 0.00002.

Submission:

Labcorp Genetics (formerly Invitae), Labcorp
Classification: Uncertain significance for Hereditary spastic paraplegia 39. Last evaluated: 2023-11-27. Review status: criteria provided, single submitter. Criteria: Invitae Variant Classification Sherloc (09022015). Collection method: clinical testing. Allele origin: germline.
Comment: This sequence change replaces methionine, which is neutral and non-polar, with leucine, which is neutral and non-polar, at codon 87 of the PNPLA6 protein (p.Met87Leu). This variant is present in population databases (rs770644846, gnomAD 0.002%). This variant has not been reported in the literature in individuals affected with PNPLA6-related conditions. ClinVar contains an entry for this variant (Variation ID: 2008042). Advanced modeling of protein sequence and biophysical properties (such as structural, functional, and spatial information, amino acid conservation, physicochemical variation, residue mobility, and thermodynamic stability) performed at Invitae indicates that this missense variant is not expected to disrupt PNPLA6 protein function with a negative predictive value of 95%. In summary, the available evidence is currently insufficient to determine the role of this variant in disease. Therefore, it has been classified as a Variant of Uncertain Significance.